The following is an entry in ClinVar:

ClinVar aggregate classification (germline): Likely pathogenic. Review status: criteria provided, multiple submitters, no conflicts (2 of 4 stars). 4 submissions from 4 submitters: Likely pathogenic (4). Last evaluated 2025-09-09.

Conditions:
SPRED1-related disorder. Also called: SPRED1-related condition.
Cardiovascular phenotype. Identifiers: MedGen CN230736.

Submissions (4):

Ambry Genetics
Classification: Likely pathogenic for Cardiovascular phenotype. Last evaluated: 2025-09-09. Review status: criteria provided, single submitter. Criteria: Ambry Variant Classification Scheme 2023. Collection method: clinical testing. Allele origin: germline.
Comment: The p.R24Q variant (also known as c.71G>A), located in coding exon 2 of the SPRED1 gene, results from a G to A substitution at nucleotide position 71. The arginine at codon 24 is replaced by glutamine, an amino acid with highly similar properties. This variant has been reported in multiple individuals without NF1 mutations who presented with a Legius syndrome phenotype. This variant has shown strong segregation with the clinical presentation of multiple caf&eacute;-au-lait macules (Spencer E et al, Am. J. Med. Genet. A 2011 Jun; 155A(6):1352-9; Hirata Y et al, J. Biol. Chem. 2016 Feb; 291(7):3124-34). By in vitro assays, this variant was suggested to partially reduce the interaction between SPRED1 EVH1 and NF1 GRD domains, and to relieve the SPRED1 suppression on ERK activity to a limited extent (Hirata Y et al, J. Biol. Chem. 2016 Feb; 291(7):3124-34). This variant is considered to be rare based on population cohorts in the Genome Aggregation Database (gnomAD). In addition, this alteration is predicted to be deleterious by in silico analysis. Based on the majority of available evidence to date, this variant is likely to be pathogenic.

PreventionGenetics, part of Exact Sciences
Classification: Likely pathogenic for SPRED1-related condition. Last evaluated: 2024-12-16. Review status: criteria provided, single submitter. Criteria: ACMG Guidelines, 2015. Collection method: clinical testing. Allele origin: germline.
Comment: The SPRED1 c.71G>A variant is predicted to result in the amino acid substitution p.Arg24Gln. This variant has been reported in an individual with Legius syndrome (eTable 3, Spencer et al. 2011. PubMed ID: 21548021; Hirata et al. 2015. PubMed ID: 26635368). Functional studies indicate this variant impacts protein function (Hirata et al. 2015. PubMed ID: 26635368; Führer et al. 2019. PubMed ID: 31401120; Yan et al. 2020. PubMed ID: 32697994). This variant has not been reported in a large population database (gnomAD), indicating this variant is rare. This variant is interpreted as likely pathogenic.

GeneDx
Classification: Likely pathogenic. Last evaluated: 2024-01-19. Review status: criteria provided, single submitter. Criteria: GeneDx Variant Classification Process June 2021. Collection method: clinical testing. Allele origin: germline. Affected: yes.
Comment: Published functional studies suggest a damaging effect: reduced binding with NF1 (PMID: 26635368, 32697994); Not observed at significant frequency in large population cohorts (gnomAD); In silico analysis supports that this missense variant has a deleterious effect on protein structure/function; This variant is associated with the following publications: (PMID: 33872193, 22384355, 34121041, 26635368, 31401120, 21548021, 32697994)

Blueprint Genetics
Classification: Likely pathogenic for SPRED1-related disorders. Last evaluated: 2023-08-10. Review status: criteria provided, single submitter. Criteria: ACMG Guidelines, 2015. Collection method: clinical testing. Allele origin: germline. Affected: yes. Observed: 2 variant alleles.

Literature cited by the submitters: PubMed 21548021 (cited by Ambry Genetics); PubMed 26635368 (cited by Ambry Genetics).

NM_152594.3(SPRED1):c.71G>A (p.Arg24Gln)

Gene: SPRED1 (sprouty related EVH1 domain containing 1; plus strand). Cytogenetic location: 15q14.
Variant type: single nucleotide variant.
Coding change: c.71G>A on transcript NM_152594.3 (MANE Select); coding-DNA position 71, G replaced by A.
Protein change: p.Arg24Gln; replaces arginine 24 with glutamine.
Molecular consequence: missense variant.
Genome position (GRCh38, 1-based): chr15:38,299,411, G>A. VCF-style: chr15-38299411-G-A. GRCh37 (hg19) VCF-style: chr15-38591612-G-A.
Other names: short protein forms R24Q.
Identifiers: ClinVar variation 373025 (VCV000373025.9), dbSNP rs1057518150, ClinGen allele CA16042989.